The following is an entry in ClinVar:

ClinVar aggregate classification (germline): Uncertain significance (1 of 4 stars; one submission).

Conditions:
Alagille syndrome due to a JAG1 point mutation. Also called: Alagille Syndrome 1; JAG1-Related Alagille Syndrome; HEPATIC DUCTULAR HYPOPLASIA, SYNDROMATIC. Identifiers: Orphanet 261619, Orphanet 52, MedGen C1956125, MONDO:0016862, OMIM 118450.

Submission:

Labcorp Genetics (formerly Invitae), Labcorp
Classification: Uncertain significance for Alagille syndrome due to a JAG1 point mutation. Last evaluated: 2025-01-06. Review status: criteria provided, single submitter. Criteria: Invitae Variant Classification Sherloc (09022015). Collection method: clinical testing. Allele origin: germline.
Comment: This sequence change replaces threonine, which is neutral and polar, with arginine, which is basic and polar, at codon 1177 of the JAG1 protein (p.Thr1177Arg). This variant is not present in population databases (gnomAD no frequency). This variant has not been reported in the literature in individuals affected with JAG1-related conditions. ClinVar contains an entry for this variant (Variation ID: 2758076). Invitae Evidence Modeling of protein sequence and biophysical properties (such as structural, functional, and spatial information, amino acid conservation, physicochemical variation, residue mobility, and thermodynamic stability) indicates that this missense variant is not expected to disrupt JAG1 protein function with a negative predictive value of 95%. In summary, the available evidence is currently insufficient to determine the role of this variant in disease. Therefore, it has been classified as a Variant of Uncertain Significance.

NM_000214.3(JAG1):c.3530C>G (p.Thr1177Arg)

Gene: JAG1 (jagged canonical Notch ligand 1; minus strand). Cytogenetic location: 20p12.2.
Variant type: single nucleotide variant.
Coding change: c.3530C>G on transcript NM_000214.3 (MANE Select); coding-DNA position 3530, C replaced by G.
Protein change: p.Thr1177Arg; replaces threonine 1177 with arginine.
Molecular consequence: missense variant.
Genome position (GRCh38, 1-based): chr20:10,639,625, G>C on the plus strand (C>G on the coding strand, the complement: JAG1 is on the minus strand). VCF-style: chr20-10639625-G-C. GRCh37 (hg19) VCF-style: chr20-10620273-G-C.
Other names: short protein forms T1177R.
Identifiers: ClinVar variation 2758076 (VCV002758076.3), dbSNP rs533237399, ClinGen allele CA408242616.